The following is an entry in ClinVar:

NM_001378454.1(ALMS1):c.8028G>A (p.Met2676Ile)

Gene: ALMS1 (ALMS1 centrosome and basal body associated protein; plus strand). Cytogenetic location: 2p13.1.
Variant type: single nucleotide variant.
Coding change: c.8028G>A on transcript NM_001378454.1 (MANE Select); coding-DNA position 8028, G replaced by A.
Protein change: p.Met2676Ile; replaces methionine 2676 with isoleucine.
Molecular consequence: missense variant.
Genome position (GRCh38, 1-based): chr2:73,489,987, G>A. VCF-style: chr2-73489987-G-A. GRCh37 (hg19) VCF-style: chr2-73717114-G-A.
Other names: c.8031G>A, p.Met2677Ile (NM_015120.4); short protein forms M2676I, M2677I.
Identifiers: ClinVar variation 2150212 (VCV002150212.2), dbSNP rs200272824, ClinGen allele CA50377874.
Genomic context (GRCh38, chr2:73,489,987, plus strand): 5'-CTTTATACCTGATGAATTCAAAATCAGCAAAGGTCTTCGAATGCCATTCGATGAAAAGAT[G>A]GACCCTTGGCTGTCAGAATTAGTAGAACCTGCTTTTGTGCCACCTAAAGAAGTGGATTTT-3'
Protein context (NP_001365383.1, residues 2666-2686): KGLRMPFDEK[Met2676Ile]DPWLSELVEP

ClinVar aggregate classification (germline): Uncertain significance. Review status: criteria provided, multiple submitters, no conflicts (2 of 4 stars). 2 submissions from 2 submitters: Uncertain significance (2). Last evaluated 2025-05-16.

Conditions:
Alstrom syndrome (ALMS). Identifiers: Orphanet 64, MedGen C0268425, MONDO:0008763, OMIM 203800.
Cardiovascular phenotype. Identifiers: MedGen CN230736.

Allele frequency attached by ClinVar (database versions not stated): gnomAD exomes 0.00001; TOPMed 0.00001.
gnomAD v4.1: 6 of 1,614,192 alleles (0.00037%); highest among the groups gnomAD compares: Admixed American, 0.0067%; no homozygotes.

Submissions (2):

Ambry Genetics
Classification: Uncertain significance for Cardiovascular phenotype. Last evaluated: 2025-05-16. Review status: criteria provided, single submitter. Criteria: Ambry Variant Classification Scheme 2023. Collection method: clinical testing. Allele origin: germline.
Comment: The p.M2677I variant (also known as c.8031G>A), located in coding exon 10 of the ALMS1 gene, results from a G to A substitution at nucleotide position 8031. The methionine at codon 2677 is replaced by isoleucine, an amino acid with highly similar properties. This amino acid position is not well conserved in available vertebrate species. In addition, this alteration is predicted to be tolerated by in silico analysis. Based on the available evidence, the clinical significance of this variant remains unclear.

Labcorp Genetics (formerly Invitae), Labcorp
Classification: Uncertain significance for Alstrom syndrome. Last evaluated: 2022-06-22. Review status: criteria provided, single submitter. Criteria: Invitae Variant Classification Sherloc (09022015). Collection method: clinical testing. Allele origin: germline.
Comment: This sequence change replaces methionine, which is neutral and non-polar, with isoleucine, which is neutral and non-polar, at codon 2677 of the ALMS1 protein (p.Met2677Ile). This variant is present in population databases (rs200272824, gnomAD 0.009%). This variant has not been reported in the literature in individuals affected with ALMS1-related conditions. Experimental studies and prediction algorithms are not available or were not evaluated, and the functional significance of this variant is currently unknown. In summary, the available evidence is currently insufficient to determine the role of this variant in disease. Therefore, it has been classified as a Variant of Uncertain Significance.